The following is an entry in ClinVar:

NM_000064.4(C3):c.4029G>A (p.Ser1343=)

Gene: C3 (complement C3; minus strand). Cytogenetic location: 19p13.3.
Variant type: single nucleotide variant.
Coding change: c.4029G>A on transcript NM_000064.4 (MANE Select); coding-DNA position 4029, G replaced by A.
Protein change: p.Ser1343=; no amino-acid change (serine 1343 retained).
Molecular consequence: synonymous variant.
Genome position (GRCh38, 1-based): chr19:6,684,775, C>T on the plus strand (G>A on the coding strand, the complement: C3 is on the minus strand). VCF-style: chr19-6684775-C-T. GRCh37 (hg19) VCF-style: chr19-6684786-C-T.
Other names: p.Ser1343=.
Identifiers: ClinVar variation 1002458 (VCV001002458.9), dbSNP rs190354796, ClinGen allele CA9128552.

ClinVar aggregate classification (germline): Uncertain significance. Review status: criteria provided, multiple submitters, no conflicts (2 of 4 stars). 3 submissions from 3 submitters: Uncertain significance (3). Last evaluated 2025-04-22.

Conditions:
Atypical hemolytic-uremic syndrome with C3 anomaly. Also called: AHUS, SUSCEPTIBILITY TO, 5. Identifiers: Orphanet 2134, MedGen C2752037, MONDO:0013043, OMIM 612925.
Age related macular degeneration 9. Identifiers: MedGen C1969651, MONDO:0012659, OMIM 611378.
Complement component 3 deficiency. Identifiers: Orphanet 280133, MedGen C3151071, MONDO:0013417, OMIM 613779.

Allele frequency attached by ClinVar (database versions not stated): gnomAD exomes 0.00001 and 0.00002; ExAC 0.00002; gnomAD 0.00003; TOPMed 0.00006; ESP Exome Variant Server 0.00008; 1000 Genomes Project 30x 0.00016; 1000 Genomes Project 0.00020.
gnomAD v4.1: 17 of 1,614,134 alleles (0.0011%); highest among the groups gnomAD compares: African/African-American, 0.008%; no homozygotes.

Submissions (3):

Labcorp Genetics (formerly Invitae), Labcorp
Classification: Uncertain significance. Last evaluated: 2025-04-22. Review status: criteria provided, single submitter. Criteria: Invitae Variant Classification Sherloc (09022015). Collection method: clinical testing. Allele origin: germline.
Comment: This sequence change affects codon 1343 of the C3 mRNA. It is a 'silent' change, meaning that it does not change the encoded amino acid sequence of the C3 protein. This variant also falls at the last nucleotide of exon 31, which is part of the consensus splice site for this exon. This variant is present in population databases (rs190354796, gnomAD 0.01%). This variant has not been reported in the literature in individuals affected with C3-related conditions. ClinVar contains an entry for this variant (Variation ID: 1002458). Variants that disrupt the consensus splice site are a relatively common cause of aberrant splicing (PMID: 17576681, 9536098). Algorithms developed to predict the effect of sequence changes on RNA splicing suggest that this variant may disrupt the consensus splice site. In summary, the available evidence is currently insufficient to determine the role of this variant in disease. Therefore, it has been classified as a Variant of Uncertain Significance.

Mayo Clinic Laboratories, Mayo Clinic
Classification: Uncertain significance. Last evaluated: 2023-09-26. Review status: criteria provided, single submitter. Criteria: ACMG Guidelines, 2015. Collection method: clinical testing. Allele origin: germline. Observed: 1 variant allele.

Fulgent Genetics
Classification: Uncertain significance for Age related macular degeneration 9; Atypical hemolytic-uremic syndrome with C3 anomaly; Complement component 3 deficiency. Last evaluated: 2021-09-20. Review status: criteria provided, single submitter. Criteria: ACMG Guidelines, 2015. Collection method: clinical testing. Allele origin: unknown.

Literature cited by the submitters: PubMed 17576681 (cited by Labcorp Genetics (formerly Invitae), Labcorp); PubMed 9536098 (cited by Labcorp Genetics (formerly Invitae), Labcorp).